The following is an entry in ClinVar:

NM_000574.5(CD55):c.822_823insAA (p.Glu275fs)

Gene: CD55 (CD55 molecule (Cromer blood group); plus strand). Cytogenetic location: 1q32.2.
Variant type: Insertion.
Coding change: c.822_823insAA on transcript NM_000574.5 (MANE Select); coding-DNA positions 822 to 823, AA inserted.
Protein change: p.Glu275fs; shifts the reading frame from glutamic acid 275.
Molecular consequence: frameshift variant. On other transcripts: non-coding transcript variant (1).
Genome position: GRCh38 VCF-style: chr1-207331264-G-GAA. GRCh37 (hg19) VCF-style: chr1-207504609-G-GAA.
Other names: c.822_823insAA, p.Glu275fs (NM_001114752.3, NM_001300902.2, NM_001300903.2 and 1 more transcripts); short protein forms E275fs.
Identifiers: ClinVar variation 3772257 (VCV003772257.14).

ClinVar aggregate classification (germline): Pathogenic. Review status: criteria provided, multiple submitters, no conflicts (2 of 4 stars). 2 submissions from 2 submitters: Pathogenic (2). Last evaluated 2025-03-30.

Submissions (2):

Labcorp Genetics (formerly Invitae), Labcorp
Classification: Pathogenic. Last evaluated: 2025-03-30. Review status: criteria provided, single submitter. Criteria: Invitae Variant Classification Sherloc (09022015). Collection method: clinical testing. Allele origin: germline.
Comment: This sequence change creates a premature translational stop signal (p.Glu275Lysfs*15) in the CD55 gene. It is expected to result in an absent or disrupted protein product. Loss-of-function variants in CD55 are known to be pathogenic (PMID: 28657829, 28657861). This variant is present in population databases (rs751819058, gnomAD 0.004%). This variant has not been reported in the literature in individuals affected with CD55-related conditions. For these reasons, this variant has been classified as Pathogenic.

CeGaT Center for Human Genetics Tuebingen
Classification: Pathogenic. Last evaluated: 2025-01-01. Review status: criteria provided, single submitter. Criteria: CeGaT Center For Human Genetics Tuebingen Variant Classification Criteria Version 2. Collection method: clinical testing. Allele origin: germline. Affected: yes. Observed: 1 variant allele.
Comment: CD55: PVS1, PM2, PM3:Supporting, PS3:Supporting

Literature cited by the submitters: PubMed 28657829 (cited by Labcorp Genetics (formerly Invitae), Labcorp); PubMed 28657861 (cited by Labcorp Genetics (formerly Invitae), Labcorp).